The following is an entry in ClinVar:

NM_004360.5(CDH1):c.103G>A (p.Glu35Lys)

Gene: CDH1 (cadherin 1; plus strand). Cytogenetic location: 16q22.1.
Variant type: single nucleotide variant.
Coding change: c.103G>A on transcript NM_004360.5 (MANE Select); coding-DNA position 103, G replaced by A.
Protein change: p.Glu35Lys; replaces glutamic acid 35 with lysine.
Molecular consequence: missense variant. On other transcripts: 5 prime UTR variant (2).
Genome position (GRCh38, 1-based): chr16:68,738,351, G>A. VCF-style: chr16-68738351-G-A. GRCh37 (hg19) VCF-style: chr16-68772254-G-A.
Other names: c.103G>A (LRG_301t1, NM_004360.4); c.103G>A, p.Glu35Lys (NM_001317184.2); c.-1513G>A (NM_001317185.2); c.-1717G>A (NM_001317186.2); short protein forms E35K.
Identifiers: ClinVar variation 639495 (VCV000639495.13), dbSNP rs1597838625, ClinGen allele CA396451991.

ClinVar aggregate classification (germline): Conflicting classifications of pathogenicity. Review status: criteria provided, conflicting classifications (1 of 4 stars). 4 submissions from 4 submitters: Uncertain significance (3); Likely benign (1). Last evaluated 2026-06-11.

Conditions:
Hereditary cancer-predisposing syndrome. Also called: Tumor predisposition; Hereditary Cancer Syndrome; Neoplastic Syndromes, Hereditary; Hereditary neoplastic syndrome. Identifiers: Orphanet 140162, MedGen C0027672, MeSH D009386, MONDO:0015356.
Hereditary diffuse gastric adenocarcinoma (HDGC). Also called: DIFFUSE GASTRIC AND LOBULAR BREAST CANCER SYNDROME. Identifiers: Orphanet 26106, MedGen C1708349, MONDO:0007648, OMIM 137215.

gnomAD v4.1: 5 of 1,551,328 alleles (0.00032%); highest among the groups gnomAD compares: Non-Finnish European, 0.00044%; no homozygotes.

Submissions (4):

Ambry Genetics
Classification: Likely benign for Hereditary cancer-predisposing syndrome. Last evaluated: 2026-06-11. Review status: criteria provided, single submitter. Criteria: Ambry Variant Classification Scheme 2023. Collection method: clinical testing. Allele origin: germline.

Labcorp Genetics (formerly Invitae), Labcorp
Classification: Uncertain significance for Hereditary diffuse gastric adenocarcinoma. Last evaluated: 2024-08-27. Review status: criteria provided, single submitter. Criteria: Invitae Variant Classification Sherloc (09022015). Collection method: clinical testing. Allele origin: germline.
Comment: This sequence change replaces glutamic acid, which is acidic and polar, with lysine, which is basic and polar, at codon 35 of the CDH1 protein (p.Glu35Lys). This variant is not present in population databases (gnomAD no frequency). This missense change has been observed in individual(s) with clinical features of CDH1-related conditions (PMID: 36436516). ClinVar contains an entry for this variant (Variation ID: 639495). An algorithm developed to predict the effect of missense changes on protein structure and function (PolyPhen-2) suggests that this variant is likely to be tolerated. In summary, the available evidence is currently insufficient to determine the role of this variant in disease. Therefore, it has been classified as a Variant of Uncertain Significance.

European Reference Network on Genetic Tumour Risk Syndromes (ERN-GENTURIS), i3s - Instituto de Investigação e Inovação em Saúde, University of Porto
Classification: Uncertain significance for Hereditary diffuse gastric adenocarcinoma. Last evaluated: 2022-08-01. Review status: criteria provided, single submitter. Criteria: Lee et al. (Hum Mutat. 2018). Collection method: clinical testing. Allele origin: germline. Inheritance: Autosomal dominant inheritance. Affected: no. Study: ERN GENTURIS.
Comment: PM2 (PMID: 30311375)

Department of Pathology and Laboratory Medicine, Sinai Health System
Classification: Uncertain significance for Hereditary diffuse gastric adenocarcinoma. Last evaluated: 2022-05-16. Review status: criteria provided, single submitter. Criteria: ACMG Guidelines, 2015. Collection method: clinical testing. Allele origin: germline. Affected: yes.

Literature cited by the submitters: PubMed 36436516 (cited by Labcorp Genetics (formerly Invitae), Labcorp and European Reference Network on Genetic Tumour Risk Syndromes (ERN-GENTURIS), i3s - Instituto de Investigação e Inovação em Saúde, University of Porto).